The following is an entry in ClinVar:

ClinVar aggregate classification (germline): Uncertain significance (1 of 4 stars; one submission).

Conditions:
Hereditary cancer-predisposing syndrome. Also called: Tumor predisposition; Neoplastic Syndromes, Hereditary; Hereditary Cancer Syndrome; Hereditary neoplastic syndrome. Identifiers: Orphanet 140162, MedGen C0027672, MeSH D009386, MONDO:0015356.

Submission:

Ambry Genetics
Classification: Uncertain significance for Hereditary cancer-predisposing syndrome. Last evaluated: 2022-07-27. Review status: criteria provided, single submitter. Criteria: Ambry Variant Classification Scheme 2023. Collection method: clinical testing. Allele origin: germline.
Comment: The p.E105Q variant (also known as c.313G>C), located in coding exon 3 of the XRCC2 gene, results from a G to C substitution at nucleotide position 313. The glutamic acid at codon 105 is replaced by glutamine, an amino acid with highly similar properties. This amino acid position is conserved. In addition, the in silico prediction for this alteration is inconclusive. Since supporting evidence is limited at this time, the clinical significance of this alteration remains unclear.

NM_005431.2(XRCC2):c.313G>C (p.Glu105Gln)

Gene: XRCC2 (X-ray repair cross complementing 2; minus strand). Cytogenetic location: 7q36.1.
Variant type: single nucleotide variant.
Coding change: c.313G>C on transcript NM_005431.2 (MANE Select); coding-DNA position 313, G replaced by C.
Protein change: p.Glu105Gln; replaces glutamic acid 105 with glutamine.
Molecular consequence: missense variant.
Genome position (GRCh38, 1-based): chr7:152,649,172, C>G on the plus strand (G>C on the coding strand, the complement: XRCC2 is on the minus strand). VCF-style: chr7-152649172-C-G. GRCh37 (hg19) VCF-style: chr7-152346257-C-G.
Other names: short protein forms E105Q.
Identifiers: ClinVar variation 1728074 (VCV001728074.2), dbSNP rs2485881633, ClinGen allele CA370198977.